The following is an entry in ClinVar:

NM_213599.3(ANO5):c.859C>G (p.Gln287Glu)

Gene: ANO5 (anoctamin 5; plus strand). Cytogenetic location: 11p14.3.
Variant type: single nucleotide variant.
Coding change: c.859C>G on transcript NM_213599.3 (MANE Select); coding-DNA position 859, C replaced by G.
Protein change: p.Gln287Glu; replaces glutamine 287 with glutamic acid.
Molecular consequence: missense variant.
Genome position (GRCh38, 1-based): chr11:22,239,665, C>G. VCF-style: chr11-22239665-C-G. GRCh37 (hg19) VCF-style: chr11-22261211-C-G.
Other names: c.856C>G, p.Gln286Glu (NM_001142649.2); short protein forms Q287E, Q286E.
Identifiers: ClinVar variation 431848 (VCV000431848.2), dbSNP rs1554927050, ClinGen allele CA379920577.

ClinVar aggregate classification (germline): Likely pathogenic (1 of 4 stars; one submission).

gnomAD v4.1: 3 of 1,607,470 alleles (0.00019%); highest among the groups gnomAD compares: Non-Finnish European, 0.00026%; no homozygotes.

Submission:

GeneDx
Classification: Likely pathogenic. Last evaluated: 2015-04-08. Review status: criteria provided, single submitter. Criteria: GeneDx Variant Classification (06012015). Collection method: clinical testing. Allele origin: germline. Affected: yes.
Comment: The Q287E variant has not been published as a pathogenic variant, nor has it been reported as a benign polymorphism to our knowledge. It was not observed in approximately 6,500 individuals of European and African American ancestry in the NHLBI Exome Sequencing Project, indicating it is not a common benign variant in these populations. The Q287E variant is a semi-conservative amino acid substitution, which may impact secondary protein structure as these residues differ in some properties. This substitution occurs at a position that is conserved across species. In silico analysis predicts this variant is probably damaging to the protein structure/function. Therefore, this variant is a strong candidate for a pathogenic variant, however the possibility that it is a benign variant cannot be excluded.